The following is an entry in ClinVar:

ClinVar aggregate classification (germline): Uncertain significance (1 of 4 stars; one submission).

Conditions:
Neuroblastoma, susceptibility to, 3. Also called: ALK-Related Neuroblastic Tumor Susceptibility. Identifiers: Orphanet 635, MedGen C2751681, MONDO:0013083, OMIM 613014.

Submission:

Labcorp Genetics (formerly Invitae), Labcorp
Classification: Uncertain significance for Neuroblastoma, susceptibility to, 3. Last evaluated: 2025-02-26. Review status: criteria provided, single submitter. Criteria: Invitae Variant Classification Sherloc (09022015). Collection method: clinical testing. Allele origin: germline.
Comment: This sequence change replaces glutamine, which is neutral and polar, with lysine, which is basic and polar, at codon 1074 of the ALK protein (p.Gln1074Lys). Information on the frequency of this variant in the gnomAD database is not available, as this variant may be reported differently in the database. This variant has not been reported in the literature in individuals affected with ALK-related conditions. Experimental studies and prediction algorithms are not available or were not evaluated, and the functional significance of this variant is currently unknown. In summary, the available evidence is currently insufficient to determine the role of this variant in disease. Therefore, it has been classified as a Variant of Uncertain Significance.

NM_004304.5(ALK):c.3219_3220delinsAA (p.Gln1074Lys)

Gene: ALK (ALK receptor tyrosine kinase; minus strand). Cytogenetic location: 2p23.2.
Variant type: Indel.
Coding change: c.3219_3220delinsAA on transcript NM_004304.5 (MANE Select); coding-DNA positions 3219 to 3220, GC replaced by AA.
Protein change: p.Gln1074Lys; replaces glutamine 1074 with lysine.
Molecular consequence: missense variant.
Genome position (GRCh38, 1-based): chr2:29,223,481-29,223,482, GC replaced by TT on the plus strand (GC replaced by AA on the coding strand, the reverse complement: ALK is on the minus strand). VCF-style: chr2-29223481-GC-TT. GRCh37 (hg19) VCF-style: chr2-29446347-GC-TT.
Other names: c.15_16delinsAA, p.Gln6Lys (NM_001353765.2); short protein forms Q6K, Q1074K.
Identifiers: ClinVar variation 4713890 (VCV004713890.1).
Genomic context (GRCh38, chr2:29,223,481, plus strand): 5'-GGTTGTAGTCGGTCATGATGGTCGAGGTGCGGAGCTTGCTCAGCTTGTACTCAGGGCTCT[GC>TT]AGCTCCATCTGCATGGCTTGCAGCTCCTGGTGCTTCCGGCGGTACACTGCAGGTGGGTGG-3'
Protein context (NP_004295.2, residues 1064-1084): QELQAMQMEL[Gln1074Lys]SPEYKLSKLR